The following is an entry in ClinVar:

NM_014915.3(ANKRD26):c.2149A>G (p.Met717Val)

Gene: ANKRD26 (ankyrin repeat domain 26; minus strand). Cytogenetic location: 10p12.1.
Variant type: single nucleotide variant.
Coding change: c.2149A>G on transcript NM_014915.3 (MANE Select); coding-DNA position 2149, A replaced by G.
Protein change: p.Met717Val; replaces methionine 717 with valine.
Molecular consequence: missense variant.
Genome position (GRCh38, 1-based): chr10:27,043,438, T>C on the plus strand (A>G on the coding strand, the complement: ANKRD26 is on the minus strand). VCF-style: chr10-27043438-T-C. GRCh37 (hg19) VCF-style: chr10-27332367-T-C.
Other names: c.2146A>G, p.Met716Val (NM_001256053.2); short protein forms M716V, M717V.
Identifiers: ClinVar variation 4579424 (VCV004579424.1).

ClinVar aggregate classification (germline): Uncertain significance (1 of 4 stars; one submission).

Conditions:
Inborn genetic diseases. Identifiers: MedGen C0950123, MeSH D030342.

gnomAD v4.1: 1 of 1,613,908 alleles (0.000062%); highest among the groups gnomAD compares: Non-Finnish European, 0.000085%; no homozygotes.

Submission:

Ambry Genetics
Classification: Uncertain significance for Inborn genetic diseases. Last evaluated: 2025-10-14. Review status: criteria provided, single submitter. Criteria: Ambry Variant Classification Scheme 2023. Collection method: clinical testing. Allele origin: germline.
Comment: The p.M717V variant (also known as c.2149A>G), located in coding exon 20 of the ANKRD26 gene, results from an A to G substitution at nucleotide position 2149. The methionine at codon 717 is replaced by valine, an amino acid with highly similar properties. This amino acid position is conserved. In addition, this alteration is predicted to be tolerated by in silico analysis. Based on the available evidence, the clinical significance of this variant remains unclear.